The following is an entry in ClinVar:

ClinVar aggregate classification (germline): Uncertain significance. Review status: criteria provided, multiple submitters, no conflicts (2 of 4 stars). 2 submissions from 2 submitters: Uncertain significance (2). Last evaluated 2024-01-11.

Conditions:
Progressive myoclonic epilepsy type 5. Identifiers: Orphanet 402082, MedGen C5190799.

Allele frequency attached by ClinVar (database versions not stated): TOPMed 0.00002.
gnomAD v4.1: 8 of 1,614,048 alleles (0.0005%); highest among the groups gnomAD compares: African/African-American, 0.0093%; no homozygotes.

Submissions (2):

Labcorp Genetics (formerly Invitae), Labcorp
Classification: Uncertain significance for Progressive myoclonic epilepsy type 5. Last evaluated: 2024-01-11. Review status: criteria provided, single submitter. Criteria: Invitae Variant Classification Sherloc (09022015). Collection method: clinical testing. Allele origin: germline.
Comment: This sequence change replaces glycine, which is neutral and non-polar, with alanine, which is neutral and non-polar, at codon 560 of the PRICKLE2 protein (p.Gly560Ala). The frequency data for this variant in the population databases is considered unreliable, as metrics indicate poor data quality at this position in the gnomAD database. This variant has not been reported in the literature in individuals affected with PRICKLE2-related conditions. ClinVar contains an entry for this variant (Variation ID: 1519107). An algorithm developed to predict the effect of missense changes on protein structure and function (PolyPhen-2) suggests that this variant is likely to be tolerated. In summary, the available evidence is currently insufficient to determine the role of this variant in disease. Therefore, it has been classified as a Variant of Uncertain Significance.

Ambry Genetics
Classification: Uncertain significance. Last evaluated: 2023-12-14. Review status: criteria provided, single submitter. Criteria: Ambry Variant Classification Scheme 2023. Collection method: clinical testing. Allele origin: germline.

NM_198859.4(PRICKLE2):c.1679G>C (p.Gly560Ala)

Genes: PRICKLE2 (prickle planar cell polarity protein 2; minus strand), PRICKLE2-AS1 (PRICKLE2 antisense RNA 1; plus strand). Cytogenetic location: 3p14.1.
Variant type: single nucleotide variant.
Coding change: c.1679G>C on transcript NM_198859.4 (MANE Select); coding-DNA position 1679, G replaced by C.
Protein change: p.Gly560Ala; replaces glycine 560 with alanine.
Molecular consequence: missense variant. On other transcripts: non-coding transcript variant (1).
Genome position (GRCh38, 1-based): chr3:64,099,907, C>G on the plus strand (G>C on the coding strand, the complement: PRICKLE2 is on the minus strand). VCF-style: chr3-64099907-C-G. GRCh37 (hg19) VCF-style: chr3-64085583-C-G.
Other names: c.1679G>C, p.Gly560Ala (NM_001370528.1); c.1679G>C (NM_198859.3); short protein forms G560A.
Identifiers: ClinVar variation 1519107 (VCV001519107.7), dbSNP rs749378051, ClinGen allele CA75716365.
Genomic context (GRCh38, chr3:64,099,907, plus strand): 5'-CCAGAGTCTTTGCTGAGGTCAGGCATGGAAAATCGGGATAGGTGCTCCTGGCGCTTGGCA[C>G]CACCATCAGCAGAGAGGCCTGGGGAAGAGAGGAGGGGACCACAGAGATTAATACAGATGT-3'
Protein context (NP_942559.1, residues 550-570): SNATGLSADG[Gly560Ala]AKRQEHLSRF